The following is an entry in ClinVar:

NM_177438.3(DICER1):c.1322T>C (p.Ile441Thr)

Gene: DICER1 (dicer 1, ribonuclease III; minus strand). Cytogenetic location: 14q32.13.
Variant type: single nucleotide variant.
Coding change: c.1322T>C on transcript NM_177438.3 (MANE Select); coding-DNA position 1322, T replaced by C.
Protein change: p.Ile441Thr; replaces isoleucine 441 with threonine.
Molecular consequence: missense variant.
Genome position (GRCh38, 1-based): chr14:95,124,250, A>G on the plus strand (T>C on the coding strand, the complement: DICER1 is on the minus strand). VCF-style: chr14-95124250-A-G. GRCh37 (hg19) VCF-style: chr14-95590587-A-G.
Other names: c.1322T>C, p.Ile441Thr (NM_001195573.1, NM_001271282.3, NM_001291628.2 and 1 more transcripts); short protein forms I441T.
Identifiers: ClinVar variation 665113 (VCV000665113.10), dbSNP rs1595438132, ClinGen allele CA390886229.

ClinVar aggregate classification (germline): Uncertain significance (1 of 4 stars; one submission).

Conditions:
DICER1-related tumor predisposition. Also called: DICER1 syndrome; DICER1-related pleuropulmonary blastoma cancer predisposition syndrome. Identifiers: Orphanet 284343, MedGen C3839822, MONDO:0100216.

Submission:

Labcorp Genetics (formerly Invitae), Labcorp
Classification: Uncertain significance for DICER1-related tumor predisposition. Last evaluated: 2025-07-07. Review status: criteria provided, single submitter. Criteria: Invitae Variant Classification Sherloc (09022015). Collection method: clinical testing. Allele origin: germline.
Comment: This sequence change replaces isoleucine, which is neutral and non-polar, with threonine, which is neutral and polar, at codon 441 of the DICER1 protein (p.Ile441Thr). This variant is not present in population databases (gnomAD no frequency). This variant has not been reported in the literature in individuals affected with DICER1-related conditions. ClinVar contains an entry for this variant (Variation ID: 665113). Invitae Evidence Modeling of protein sequence and biophysical properties (such as structural, functional, and spatial information, amino acid conservation, physicochemical variation, residue mobility, and thermodynamic stability) indicates that this missense variant is not expected to disrupt DICER1 protein function with a negative predictive value of 95%. In summary, the available evidence is currently insufficient to determine the role of this variant in disease. Therefore, it has been classified as a Variant of Uncertain Significance.